The following is an entry in ClinVar:

ClinVar aggregate classification (germline): Benign (1 of 4 stars; one submission).

Conditions:
Familial cancer of breast. Also called: Hereditary breast cancer; hereditary breast carcinoma; BREAST CANCER, FAMILIAL. Identifiers: Orphanet 227535, MedGen C0346153, MONDO:0016419, OMIM 114480. Disease mechanism: loss of function.

Submission:

Myriad Genetics, Inc.
Classification: Benign for Familial cancer of breast. Last evaluated: 2025-01-21. Review status: criteria provided, single submitter. Criteria: Myriad Autosomal Dominant, Autosomal Recessive and X-Linked Classification Criteria (2023). Collection method: clinical testing. Allele origin: unknown.
Comment: This variant is considered benign. This variant is a silent/synonymous amino acid change and it is not expected to impact splicing.

NM_024675.4(PALB2):c.3108T>C (p.Val1036=)

Gene: PALB2 (partner and localizer of BRCA2; minus strand). Cytogenetic location: 16p12.2.
Variant type: single nucleotide variant.
Coding change: c.3108T>C on transcript NM_024675.4 (MANE Select); coding-DNA position 3108, T replaced by C.
Protein change: p.Val1036=; no amino-acid change (valine 1036 retained).
Molecular consequence: synonymous variant. On other transcripts: intron variant (1).
Genome position (GRCh38, 1-based): chr16:23,621,367, A>G on the plus strand (T>C on the coding strand, the complement: PALB2 is on the minus strand). VCF-style: chr16-23621367-A-G. GRCh37 (hg19) VCF-style: chr16-23632688-A-G.
Other names: c.3048T>C, p.Val1016= (NM_001407296.1); c.3036T>C, p.Val1012= (NM_001407297.1); c.2946T>C, p.Val982= (NM_001407298.1, NM_001407302.1); c.3108T>C, p.Val1036= (NM_001407299.1, NM_001407301.1); c.2223T>C, p.Val741= (NM_001407304.1, NM_001407305.1, NM_001407306.1 and 4 more transcripts); c.2061T>C, p.Val687= (NM_001407307.1); c.1320T>C, p.Val440= (NM_001407312.1, NM_001407313.1); c.642T>C, p.Val214= (NM_001407314.1); and 1 more.
Identifiers: ClinVar variation 3903733 (VCV003903733.1).
Genomic context (GRCh38, chr16:23,621,367, plus strand): 5'-AGGTATATCCTCATACTACAGATGAGGGAACTGAGGACCTAGAGGGAAAGCTTACCAAAT[A>G]ACAATGTTGTTCATAATAGTAGTACCAAGCAGAGCTTCTTGCATCCCTTGGACCTCAGCA-3'
Protein context (NP_078951.2, residues 1026-1046): LLGTTIMNNI[Val1036=]IWNLKTGQLL